The following is an entry in ClinVar:

ClinVar aggregate classification (germline): Conflicting classifications of pathogenicity. Review status: criteria provided, conflicting classifications (1 of 4 stars). 5 submissions from 5 submitters: Uncertain significance (3); Likely benign (2). Last evaluated 2025-12-30.

Conditions:
PAX2-Related Disorder. Also called: PAX2-related disorders. Identifiers: MedGen CN381309.
Focal segmental glomerulosclerosis 7 (FSGS7). Identifiers: Orphanet 656, MedGen C4014925, MONDO:0014451, OMIM 616002.
Renal coloboma syndrome (PAPRS). Also called: PAPILLORENAL SYNDROME WITH MILD OCULAR ABNORMALITIES; CONGENITAL ANOMALIES OF THE KIDNEY AND URINARY TRACT WITH OR WITHOUT OCULAR ABNORMALITIES; CAKUT WITH OR WITHOUT OCULAR ABNORMALITIES; PAPILLORENAL SYNDROME; COLOBOMA OF OPTIC NERVE WITH RENAL DISEASE; OPTIC COLOBOMA, VESICOURETERAL REFLUX, AND RENAL ANOMALIES. Identifiers: Orphanet 1475, MedGen C1852759, MONDO:0007352, OMIM 120330.

Allele frequency attached by ClinVar (database versions not stated): gnomAD 0.00005 and 0.00007; TOPMed 0.00005; ESP Exome Variant Server 0.00008; gnomAD exomes 0.00010 and 0.00013; 1000 Genomes Project 30x 0.00016; 1000 Genomes Project 0.00020; ExAC 0.00029.
gnomAD v4.1: 161 of 1,589,888 alleles (0.01%); highest among the groups gnomAD compares: Middle Eastern, 0.73%; 1 homozygote.

Submissions (5):

PreventionGenetics, part of Exact Sciences
Classification: Likely benign for PAX2-related condition. Last evaluated: 2025-12-30. Review status: criteria provided, single submitter. Criteria: ACMG Guidelines, 2015. Collection method: clinical testing. Allele origin: germline.
Comment: This variant is classified as likely benign based on ACMG/AMP sequence variant interpretation guidelines (Richards et al. 2015 PMID: 25741868, with internal and published modifications).

Labcorp Genetics (formerly Invitae), Labcorp
Classification: Uncertain significance for Renal coloboma syndrome; Focal segmental glomerulosclerosis 7. Last evaluated: 2025-12-21. Review status: criteria provided, single submitter. Criteria: Invitae Variant Classification Sherloc (09022015). Collection method: clinical testing. Allele origin: germline.
Comment: This sequence change replaces alanine, which is neutral and non-polar, with threonine, which is neutral and polar, at codon 160 of the PAX2 protein (p.Ala160Thr). This variant is present in population databases (rs201383632, gnomAD 0.03%). This missense change has been observed in individual(s) with renal coloboma syndrome and was also identified in the individual's unaffected mother (PMID: 22213154). ClinVar contains an entry for this variant (Variation ID: 569063). An algorithm developed to predict the effect of missense changes on protein structure and function (PolyPhen-2) suggests that this variant is likely to be tolerated. In summary, the available evidence is currently insufficient to determine the role of this variant in disease. Therefore, it has been classified as a Variant of Uncertain Significance.

Blueprint Genetics
Classification: Likely benign. Last evaluated: 2024-07-05. Review status: criteria provided, single submitter. Criteria: ACMG Guidelines, 2015. Collection method: clinical testing. Allele origin: germline.

Revvity Omics, Revvity
Classification: Uncertain significance. Last evaluated: 2019-12-05. Review status: criteria provided, single submitter. Criteria: ACMG Guidelines, 2015. Collection method: clinical testing. Allele origin: germline.

Breakthrough Genomics
Classification: Uncertain significance. Review status: criteria provided, single submitter. Criteria: ACMG Guidelines, 2015. Collection method: not provided. Allele origin: germline. Inheritance: Autosomal dominant inheritance. Affected: yes.

Literature cited by the submitters: PubMed 22213154 (cited by Labcorp Genetics (formerly Invitae), Labcorp).

NM_000278.5(PAX2):c.478G>A (p.Ala160Thr)

Gene: PAX2 (paired box 2; plus strand). Cytogenetic location: 10q24.31.
Variant type: single nucleotide variant.
Coding change: c.478G>A on transcript NM_000278.5 (MANE Select); coding-DNA position 478, G replaced by A.
Protein change: p.Ala160Thr; replaces alanine 160 with threonine.
Molecular consequence: missense variant.
Genome position (GRCh38, 1-based): chr10:100,779,565, G>A. VCF-style: chr10-100779565-G-A. GRCh37 (hg19) VCF-style: chr10-102539322-G-A.
Other names: c.478G>A (NM_003987.4, NM_003990.4); c.571G>A, p.Ala191Thr (NM_001304569.2); c.478G>A, p.Ala160Thr (NM_003987.5, NM_003988.5, NM_003989.5 and 1 more transcripts); short protein forms A160T, A191T.
Identifiers: ClinVar variation 569063 (VCV000569063.12), dbSNP rs201383632, ClinGen allele CA5650734.